The following is an entry in ClinVar:

NM_005751.5(AKAP9):c.48+154C>A

Gene: AKAP9 (A-kinase anchoring protein 9; plus strand). Cytogenetic location: 7q21.2.
Variant type: single nucleotide variant.
Coding change: c.48+154C>A on transcript NM_005751.5 (MANE Select); 154 bases into the intron after coding-DNA position 48, C replaced by A.
Molecular consequence: intron variant.
Genome position (GRCh38, 1-based): chr7:91,941,301, C>A. VCF-style: chr7-91941301-C-A. GRCh37 (hg19) VCF-style: chr7-91570615-C-A.
Other names: c.48+154C>A (NM_147185.3).
Identifiers: ClinVar variation 672176 (VCV000672176.1), dbSNP rs7797369, ClinGen allele CA12475458.

ClinVar aggregate classification (germline): Benign (1 of 4 stars; one submission).

Allele frequency attached by ClinVar (database versions not stated): gnomAD 0.58126 and 0.58549; TOPMed 0.58508; 1000 Genomes Project 30x 0.62570; gnomAD exomes 0.62792; 1000 Genomes Project 0.62859.
gnomAD v4.1: 380,063 of 615,932 alleles (62%); highest among the groups gnomAD compares: East Asian, 82%; 119,313 homozygotes.

Submission:

GeneDx
Classification: Benign. Last evaluated: 2018-06-14. Review status: criteria provided, single submitter. Criteria: GeneDx Variant Classification (06012015). Collection method: clinical testing. Allele origin: germline. Affected: yes.
Comment: This variant is considered likely benign or benign based on one or more of the following criteria: it is a conservative change, it occurs at a poorly conserved position in the protein, it is predicted to be benign by multiple in silico algorithms, and/or has population frequency not consistent with disease.